The following is an entry in ClinVar:

NM_003718.5(CDK13):c.224C>T (p.Ala75Val)

Genes: CDK13 (cyclin dependent kinase 13; plus strand), LOC129998292 (ATAC-STARR-seq lymphoblastoid silent region 18115; plus strand). Cytogenetic location: 7p14.1.
Variant type: single nucleotide variant.
Coding change: c.224C>T on transcript NM_003718.5 (MANE Select); coding-DNA position 224, C replaced by T.
Protein change: p.Ala75Val; replaces alanine 75 with valine.
Molecular consequence: missense variant.
Genome position (GRCh38, 1-based): chr7:39,950,865, C>T. VCF-style: chr7-39950865-C-T. GRCh37 (hg19) VCF-style: chr7-39990464-C-T.
Other names: c.224C>T, p.Ala75Val (NM_031267.4); short protein forms A75V.
Identifiers: ClinVar variation 1800614 (VCV001800614.1), dbSNP rs1282967438, ClinGen allele CA367308996.
Genomic context (GRCh38, chr7:39,950,865, plus strand): 5'-CGCCGCCTCTGCTCTTCCTGGCTGCTCCCGGCACGGCCGCCGCCGCAGCCGCCGCCGCCG[C>T]GGCCTCCTCCTCTTGCTTCAGCCCGGGCCCCCCTCTGGAGGTCAAGCGGCTGGCGAGAGG-3'
Protein context (NP_003709.3, residues 65-85): GTAAAAAAAA[Ala75Val]ASSSCFSPGP

ClinVar aggregate classification (germline): Uncertain significance (1 of 4 stars; one submission).

Allele frequency attached by ClinVar (database versions not stated): gnomAD 0.00001; TOPMed below 0.00001.

Submission:

GeneDx
Classification: Uncertain significance. Last evaluated: 2022-05-19. Review status: criteria provided, single submitter. Criteria: GeneDx Variant Classification Process June 2021. Collection method: clinical testing. Allele origin: germline. Affected: yes.
Comment: Not observed at significant frequency in large population cohorts (gnomAD); In silico analysis supports that this missense variant does not alter protein structure/function; Has not been previously published as pathogenic or benign to our knowledge